The following is an entry in ClinVar:

ClinVar aggregate classification (germline): Uncertain significance (1 of 4 stars; one submission).

Conditions:
Arrhythmogenic right ventricular dysplasia 9 (ARVD9). Also called: Arrhythmogenic Right Ventricular Dysplasia/Cardiomyopathy 9; ARRHYTHMOGENIC RIGHT VENTRICULAR DYSPLASIA, FAMILIAL, 9. Identifiers: MedGen C1836906, MONDO:0012180, OMIM 609040.

Submission:

Labcorp Genetics (formerly Invitae), Labcorp
Classification: Uncertain significance for Arrhythmogenic right ventricular cardiomyopathy, type 9. Last evaluated: 2019-06-04. Review status: criteria provided, single submitter. Criteria: Invitae Variant Classification Sherloc (09022015). Collection method: clinical testing. Allele origin: germline.
Comment: This sequence change falls in intron 12 of the PKP2 gene. It does not directly change the encoded amino acid sequence of the PKP2 protein, but it affects a nucleotide within the consensus splice site of the intron. This variant is not present in population databases (ExAC no frequency). This variant has not been reported in the literature in individuals with PKP2-related conditions. Nucleotide substitutions within the consensus splice site are a relatively common cause of aberrant splicing (PMID: 17576681, 9536098). Algorithms developed to predict the effect of sequence changes on RNA splicing suggest that this variant may disrupt the consensus splice site, but this prediction has not been confirmed by published transcriptional studies. In summary, the available evidence is currently insufficient to determine the role of this variant in disease. Therefore, it has been classified as a Variant of Uncertain Significance.

NM_001005242.3(PKP2):c.2357+6T>A

Gene: PKP2 (plakophilin 2; minus strand). Cytogenetic location: 12p11.21.
Variant type: single nucleotide variant.
Coding change: c.2357+6T>A on transcript NM_001005242.3 (MANE Select); 6 bases into the intron after coding-DNA position 2357, T replaced by A.
Molecular consequence: intron variant.
Genome position (GRCh38, 1-based): chr12:32,796,103, A>T on the plus strand (T>A on the coding strand, the complement: PKP2 is on the minus strand). VCF-style: chr12-32796103-A-T. GRCh37 (hg19) VCF-style: chr12-32949037-A-T.
Other names: c.2489+6T>A (NM_004572.4).
Identifiers: ClinVar variation 941645 (VCV000941645.1), dbSNP rs1956118785, ClinGen allele CA1139662557.